The following is an entry in ClinVar:

ClinVar aggregate classification (germline): Uncertain significance (1 of 4 stars; one submission).

Conditions:
Hereditary cancer-predisposing syndrome. Also called: Neoplastic Syndromes, Hereditary; Tumor predisposition; Hereditary Cancer Syndrome; Hereditary neoplastic syndrome. Identifiers: Orphanet 140162, MedGen C0027672, MeSH D009386, MONDO:0015356.

Allele frequency attached by ClinVar (database versions not stated): gnomAD exomes below 0.00001; ExAC 0.00001.
gnomAD v4.1: 7 of 1,535,112 alleles (0.00046%); highest among the groups gnomAD compares: Admixed American, 0.0044%; no homozygotes.

Submission:

Ambry Genetics
Classification: Uncertain significance for Hereditary cancer-predisposing syndrome. Last evaluated: 2024-11-02. Review status: criteria provided, single submitter. Criteria: Ambry Variant Classification Scheme 2023. Collection method: clinical testing. Allele origin: germline.
Comment: The p.R3C variant (also known as c.7C>T), located in coding exon 1 of the GREM1 gene, results from a C to T substitution at nucleotide position 7. The arginine at codon 3 is replaced by cysteine, an amino acid with highly dissimilar properties. This amino acid position is conserved. In addition, this alteration is predicted to be tolerated by in silico analysis. Since supporting evidence is limited at this time, the clinical significance of this alteration remains unclear.

NM_013372.7(GREM1):c.7C>T (p.Arg3Cys)

Gene: GREM1 (gremlin 1, DAN family BMP antagonist; plus strand). Cytogenetic location: 15q13.3.
Variant type: single nucleotide variant.
Coding change: c.7C>T on transcript NM_013372.7 (MANE Select); coding-DNA position 7, C replaced by T.
Protein change: p.Arg3Cys; replaces arginine 3 with cysteine.
Molecular consequence: missense variant.
Genome position (GRCh38, 1-based): chr15:32,730,697, C>T. VCF-style: chr15-32730697-C-T. GRCh37 (hg19) VCF-style: chr15-33022898-C-T.
Other names: c.7C>T, p.Arg3Cys (NM_001191322.2, NM_001191323.2, NM_001368719.1); short protein forms R3C.
Identifiers: ClinVar variation 1761592 (VCV001761592.4), dbSNP rs768242805, ClinGen allele CA7456092.